The following is an entry in ClinVar:

NM_002778.4(PSAP):c.550G>A (p.Gly184Ser)

Gene: PSAP (prosaposin; minus strand). Cytogenetic location: 10q22.1.
Variant type: single nucleotide variant.
Coding change: c.550G>A on transcript NM_002778.4 (MANE Select); coding-DNA position 550, G replaced by A.
Protein change: p.Gly184Ser; replaces glycine 184 with serine.
Molecular consequence: missense variant.
Genome position (GRCh38, 1-based): chr10:71,828,903, C>T on the plus strand (G>A on the coding strand, the complement: PSAP is on the minus strand). VCF-style: chr10-71828903-C-T. GRCh37 (hg19) VCF-style: chr10-73588660-C-T.
Other names: c.550G>A, p.Gly184Ser (NM_001042465.3, NM_001042466.3); short protein forms G184S.
Identifiers: ClinVar variation 2202629 (VCV002202629.2), dbSNP rs771554601, ClinGen allele CA5547750.
Genomic context (GRCh38, chr10:71,828,903, plus strand): 5'-AAATGGGTCCTCAGTGGCCAGCCCGTTGTCTTACCTTTGGCTGGGGCTTGCTGCGGGGGC[C>T]GTCCTGAGGGTAGAGGAGGAGAGGGATGTTGGCCATGAAGGGGGCCACCACCTCAGTCAT-3'
Protein context (NP_002769.1, residues 174-194): NIPLLLYPQD[Gly184Ser]PRSKPQPKDN

ClinVar aggregate classification (germline): Uncertain significance. Review status: criteria provided, multiple submitters, no conflicts (2 of 4 stars). 2 submissions from 2 submitters: Uncertain significance (2). Last evaluated 2024-02-19.

Conditions:
Sphingolipid activator protein 1 deficiency. Also called: METACHROMATIC LEUKODYSTROPHY DUE TO CEREBROSIDE SULFATASE ACTIVATOR DEFICIENCY; Metachromatic leukodystrophy due to saposin B deficiency; Saposin B Deficiency. Identifiers: Orphanet 512, MedGen C0268262, MONDO:0009590, OMIM 249900.

Allele frequency attached by ClinVar (database versions not stated): ExAC 0.00006; TOPMed 0.00006; gnomAD 0.00009.
gnomAD v4.1: 89 of 1,614,028 alleles (0.0055%); highest among the groups gnomAD compares: African/African-American, 0.0093%; no homozygotes.

Submissions (2):

Blueprint Genetics
Classification: Uncertain significance. Last evaluated: 2024-02-19. Review status: criteria provided, single submitter. Criteria: ACMG Guidelines, 2015. Collection method: clinical testing. Allele origin: germline.

Labcorp Genetics (formerly Invitae), Labcorp
Classification: Uncertain significance for Sphingolipid activator protein 1 deficiency. Last evaluated: 2022-10-29. Review status: criteria provided, single submitter. Criteria: Invitae Variant Classification Sherloc (09022015). Collection method: clinical testing. Allele origin: germline.
Comment: This sequence change replaces glycine, which is neutral and non-polar, with serine, which is neutral and polar, at codon 184 of the PSAP protein (p.Gly184Ser). This variant is present in population databases (rs771554601, gnomAD 0.01%). This variant has not been reported in the literature in individuals affected with PSAP-related conditions. Advanced modeling of protein sequence and biophysical properties (such as structural, functional, and spatial information, amino acid conservation, physicochemical variation, residue mobility, and thermodynamic stability) performed at Invitae indicates that this missense variant is not expected to disrupt PSAP protein function. In summary, the available evidence is currently insufficient to determine the role of this variant in disease. Therefore, it has been classified as a Variant of Uncertain Significance.